The following is an entry in ClinVar:

ClinVar aggregate classification (germline): Uncertain significance (1 of 4 stars; one submission).

Conditions:
Hereditary cancer-predisposing syndrome. Also called: Neoplastic Syndromes, Hereditary; Tumor predisposition; Hereditary Cancer Syndrome; Hereditary neoplastic syndrome. Identifiers: Orphanet 140162, MedGen C0027672, MeSH D009386, MONDO:0015356.

Submission:

Ambry Genetics
Classification: Uncertain significance for Hereditary cancer-predisposing syndrome. Last evaluated: 2024-08-31. Review status: criteria provided, single submitter. Criteria: Ambry Variant Classification Scheme 2023. Collection method: clinical testing. Allele origin: germline.
Comment: The p.G302R variant (also known as c.904G>C), located in coding exon 7 of the POLD1 gene, results from a G to C substitution at nucleotide position 904. The glycine at codon 302 is replaced by arginine, an amino acid with dissimilar properties. This amino acid position is conserved. In addition, the in silico prediction for this alteration is inconclusive. Based on the available evidence, the clinical significance of this variant remains unclear.

NM_002691.4(POLD1):c.904G>C (p.Gly302Arg)

Gene: POLD1 (DNA polymerase delta 1, catalytic subunit; plus strand). Cytogenetic location: 19q13.33.
Variant type: single nucleotide variant.
Coding change: c.904G>C on transcript NM_002691.4 (MANE Select); coding-DNA position 904, G replaced by C.
Protein change: p.Gly302Arg; replaces glycine 302 with arginine.
Molecular consequence: missense variant. On other transcripts: non-coding transcript variant (1).
Genome position (GRCh38, 1-based): chr19:50,402,675, G>C. VCF-style: chr19-50402675-G-C. GRCh37 (hg19) VCF-style: chr19-50905932-G-C.
Other names: c.904G>C, p.Gly302Arg (NM_001256849.1, NM_001308632.1); short protein forms G302R.
Identifiers: ClinVar variation 3421960 (VCV003421960.1).